The following is an entry in ClinVar:

ClinVar aggregate classification (germline): Uncertain significance (1 of 4 stars; one submission).

Conditions:
DiGeorge syndrome. Also called: THIRD AND FOURTH PHARYNGEAL POUCH SYNDROME; Catch22. Identifiers: Orphanet 567, MedGen C0012236, MONDO:0008564, OMIM 188400.

Submission:

Labcorp Genetics (formerly Invitae), Labcorp
Classification: Uncertain significance for DiGeorge syndrome. Last evaluated: 2022-07-12. Review status: criteria provided, single submitter. Criteria: Invitae Variant Classification Sherloc (09022015). Collection method: clinical testing. Allele origin: germline.
Comment: Algorithms developed to predict the effect of missense changes on protein structure and function are either unavailable or do not agree on the potential impact of this missense change (SIFT: "Deleterious"; PolyPhen-2: "Possibly Damaging"; Align-GVGD: "Class C0"). In summary, the available evidence is currently insufficient to determine the role of this variant in disease. Therefore, it has been classified as a Variant of Uncertain Significance. ClinVar contains an entry for this variant (Variation ID: 1378259). This variant has not been reported in the literature in individuals affected with TBX1-related conditions. This variant is not present in population databases (gnomAD no frequency). This sequence change replaces glycine, which is neutral and non-polar, with arginine, which is basic and polar, at codon 391 of the TBX1 protein (p.Gly391Arg).

NM_001379200.1(TBX1):c.1198G>C (p.Gly400Arg)

Gene: TBX1 (T-box transcription factor 1; plus strand). Cytogenetic location: 22q11.21.
Variant type: single nucleotide variant.
Coding change: c.1198G>C on transcript NM_001379200.1 (MANE Select); coding-DNA position 1198, G replaced by C.
Protein change: p.Gly400Arg; replaces glycine 400 with arginine.
Molecular consequence: missense variant. On other transcripts: intron variant (2).
Genome position (GRCh38, 1-based): chr22:19,766,550, G>C. VCF-style: chr22-19766550-G-C. GRCh37 (hg19) VCF-style: chr22-19754073-G-C.
Other names: c.1171G>C, p.Gly391Arg (NM_080647.1); c.1009+548G>C (NM_005992.1, NM_080646.2); short protein forms G400R, G391R.
Identifiers: ClinVar variation 1378259 (VCV001378259.6), dbSNP rs1936854182, ClinGen allele CA410684485.